The following is an entry in ClinVar:

ClinVar aggregate classification (germline): Uncertain significance (1 of 4 stars; one submission).

Conditions:
CEP290-related disorder. Also called: CEP290-related disorders; CEP290-related condition. Identifiers: MedGen CN239314.

Submission:

PreventionGenetics, part of Exact Sciences
Classification: Uncertain significance for CEP290-related condition. Last evaluated: 2024-10-15. Review status: criteria provided, single submitter. Criteria: ACMG Guidelines, 2015. Collection method: clinical testing. Allele origin: germline.
Comment: The CEP290 c.1367A>G variant is predicted to result in the amino acid substitution p.Tyr456Cys. To our knowledge, this variant has not been reported in the literature or in a large population database, indicating this variant is rare. At this time, the clinical significance of this variant is uncertain due to the absence of conclusive functional and genetic evidence.

NM_025114.4(CEP290):c.1367A>G (p.Tyr456Cys)

Gene: CEP290 (centrosomal protein 290; minus strand). Cytogenetic location: 12q21.32.
Variant type: single nucleotide variant.
Coding change: c.1367A>G on transcript NM_025114.4 (MANE Select); coding-DNA position 1367, A replaced by G.
Protein change: p.Tyr456Cys; replaces tyrosine 456 with cysteine.
Molecular consequence: missense variant.
Genome position (GRCh38, 1-based): chr12:88,120,269, T>C on the plus strand (A>G on the coding strand, the complement: CEP290 is on the minus strand). VCF-style: chr12-88120269-T-C. GRCh37 (hg19) VCF-style: chr12-88514046-T-C.
Other names: short protein forms Y456C.
Identifiers: ClinVar variation 4986438 (VCV004986438.1).